The following is an entry in ClinVar:

NM_005732.4(RAD50):c.1653A>T (p.Gln551His)

Gene: RAD50 (RAD50 double strand break repair protein; plus strand). Cytogenetic location: 5q31.1.
Variant type: single nucleotide variant.
Coding change: c.1653A>T on transcript NM_005732.4 (MANE Select); coding-DNA position 1653, A replaced by T.
Protein change: p.Gln551His; replaces glutamine 551 with histidine.
Molecular consequence: missense variant.
Genome position (GRCh38, 1-based): chr5:132,591,894, A>T. VCF-style: chr5-132591894-A-T. GRCh37 (hg19) VCF-style: chr5-131927586-A-T.
Other names: short protein forms Q551H.
Identifiers: ClinVar variation 1777288 (VCV001777288.5), dbSNP rs1580994785, ClinGen allele CA360946340.

ClinVar aggregate classification (germline): Uncertain significance. Review status: criteria provided, multiple submitters, no conflicts (2 of 4 stars). 2 submissions from 2 submitters: Uncertain significance (2). Last evaluated 2023-03-26.

Conditions:
Hereditary cancer-predisposing syndrome. Also called: Neoplastic Syndromes, Hereditary; Tumor predisposition; Hereditary Cancer Syndrome; Hereditary neoplastic syndrome. Identifiers: Orphanet 140162, MedGen C0027672, MeSH D009386, MONDO:0015356.

Submissions (2):

Labcorp Genetics (formerly Invitae), Labcorp
Classification: Uncertain significance for Hereditary cancer-predisposing syndrome. Last evaluated: 2023-03-26. Review status: criteria provided, single submitter. Criteria: Invitae Variant Classification Sherloc (09022015). Collection method: clinical testing. Allele origin: germline.
Comment: Advanced modeling of protein sequence and biophysical properties (such as structural, functional, and spatial information, amino acid conservation, physicochemical variation, residue mobility, and thermodynamic stability) performed at Invitae indicates that this missense variant is expected to disrupt RAD50 protein function. ClinVar contains an entry for this variant (Variation ID: 1777288). This variant has not been reported in the literature in individuals affected with RAD50-related conditions. This variant is not present in population databases (gnomAD no frequency). This sequence change replaces glutamine, which is neutral and polar, with histidine, which is basic and polar, at codon 551 of the RAD50 protein (p.Gln551His). In summary, the available evidence is currently insufficient to determine the role of this variant in disease. Therefore, it has been classified as a Variant of Uncertain Significance.

Ambry Genetics
Classification: Uncertain significance for Hereditary cancer-predisposing syndrome. Last evaluated: 2021-06-30. Review status: criteria provided, single submitter. Criteria: Ambry Variant Classification Scheme 2023. Collection method: clinical testing. Allele origin: germline.
Comment: The p.Q551H variant (also known as c.1653A>T), located in coding exon 11 of the RAD50 gene, results from an A to T substitution at nucleotide position 1653. The glutamine at codon 551 is replaced by histidine, an amino acid with highly similar properties. This amino acid position is conserved. In addition, this alteration is predicted to be tolerated by in silico analysis. Since supporting evidence is limited at this time, the clinical significance of this alteration remains unclear.